The following is an entry in ClinVar:

NM_000182.5(HADHA):c.2132del (p.Pro711fs)

Genes: HADHA (hydroxyacyl-CoA dehydrogenase trifunctional multienzyme complex subunit alpha; minus strand), GAREM2 (GRB2 associated regulator of MAPK1 subtype 2; plus strand). Cytogenetic location: 2p23.3.
Variant type: Deletion.
Coding change: c.2132del on transcript NM_000182.5 (MANE Select); coding-DNA position 2132, one base deleted (C; older notation c.2132delC).
Protein change: p.Pro711fs; shifts the reading frame from proline 711.
Molecular consequence: frameshift variant.
Genome position (GRCh38, 1-based): chr2:26,191,497, G deleted on the plus strand (C on the coding strand, the reverse complement: HADHA is on the minus strand); the first of 3 consecutive G bases (chr2:26,191,497-26,191,499); deleting any one gives the same sequence. VCF-style (leftmost placement, unchanged base first): chr2-26191496-CG-C. GRCh37 (hg19) VCF-style: chr2-26414365-CG-C.
Other names: short protein forms P711fs.
Identifiers: ClinVar variation 4817873 (VCV004817873.1).

ClinVar aggregate classification (germline): Likely pathogenic (1 of 4 stars; one submission).

Conditions:
Long chain 3-hydroxyacyl-CoA dehydrogenase deficiency. Also called: Deficiency of long-chain 3-hydroxyacyl-coenzyme A dehydrogenase; LCHAD Deficiency. Identifiers: Orphanet 5, MedGen C3711645, MONDO:0012173, OMIM 609016.

Submission:

Natera, Inc.
Classification: Likely pathogenic for Deficiency of long-chain 3-hydroxyacyl-coenzyme A dehydrogenase. Last evaluated: 2025-10-10. Review status: criteria provided, single submitter. Criteria: Natera Variant Classification Schema (03/2026). Collection method: clinical testing. Allele origin: germline.
Comment: The c.2132del variant in HADHA is a frameshift variant predicted to shift the reading frame beginning at codon 711 and leads to a stop codon 19 codons downstream. This variant is expected to result in nonsense mediated decay, truncation, or a dysfunctional protein product. This variant is rare in the general population with a frequency below the threshold expected for the associated phenotype(s). Given the available evidence, this variant is classified as Likely Pathogenic.